The following is an entry in ClinVar:

NM_006231.4(POLE):c.1733T>G (p.Leu578Trp)

Gene: POLE (DNA polymerase epsilon, catalytic subunit; minus strand). Cytogenetic location: 12q24.33.
Variant type: single nucleotide variant.
Coding change: c.1733T>G on transcript NM_006231.4 (MANE Select); coding-DNA position 1733, T replaced by G.
Protein change: p.Leu578Trp; replaces leucine 578 with tryptophan.
Molecular consequence: missense variant.
Genome position (GRCh38, 1-based): chr12:132,672,276, A>C on the plus strand (T>G on the coding strand, the complement: POLE is on the minus strand). VCF-style: chr12-132672276-A-C. GRCh37 (hg19) VCF-style: chr12-133248862-A-C.
Other names: short protein forms L578W.
Identifiers: ClinVar variation 4862216 (VCV004862216.1).
Genomic context (GRCh38, chr12:132,672,276, plus strand): 5'-TCTTCAAAGTTGGTGACTTGCTCCACAGGCACTTTCTCCTCTTCCTCAAGGGCGTGGCGC[A>C]AGGTCTTCTCAACCCGCTGCAGCAGGAAGTCAAAGGCGGCAGGATTCTAGCACAACAGTG-3'
Protein context (NP_006222.2, residues 568-588): DFLLQRVEKT[Leu578Trp]RHALEEEEKV

ClinVar aggregate classification (germline): Uncertain significance (1 of 4 stars; one submission).

Conditions:
Hereditary cancer-predisposing syndrome. Also called: Neoplastic Syndromes, Hereditary; Tumor predisposition; Hereditary Cancer Syndrome; Hereditary neoplastic syndrome. Identifiers: Orphanet 140162, MedGen C0027672, MeSH D009386, MONDO:0015356.

gnomAD v4.1: 2 of 1,614,206 alleles (0.00012%); highest among the groups gnomAD compares: Non-Finnish European, 0.00017%; no homozygotes.

Submission:

Ambry Genetics
Classification: Uncertain significance for Hereditary cancer-predisposing syndrome. Last evaluated: 2026-04-11. Review status: criteria provided, single submitter. Criteria: Ambry Variant Classification Scheme 2023. Collection method: clinical testing. Allele origin: germline.
Comment: The p.L578W variant (also known as c.1733T>G), located in coding exon 16 of the POLE gene, results from a T to G substitution at nucleotide position 1733. The leucine at codon 578 is replaced by tryptophan, an amino acid with similar properties. This amino acid position is conserved. In addition, this alteration is predicted to be tolerated by in silico analysis. Based on the available evidence, the clinical significance of this variant remains unclear.